The following is an entry in ClinVar:

NM_020376.4(PNPLA2):c.370G>A (p.Gly124Ser)

Gene: PNPLA2 (patatin like domain 2, triacylglycerol lipase; plus strand). Cytogenetic location: 11p15.5.
Variant type: single nucleotide variant.
Coding change: c.370G>A on transcript NM_020376.4 (MANE Select); coding-DNA position 370, G replaced by A.
Protein change: p.Gly124Ser; replaces glycine 124 with serine.
Molecular consequence: missense variant.
Genome position (GRCh38, 1-based): chr11:821,810, G>A. VCF-style: chr11-821810-G-A. GRCh37 (hg19) VCF-style: chr11-821810-G-A.
Other names: c.370G>A (NM_020376.3); short protein forms G124S.
Identifiers: ClinVar variation 2072017 (VCV002072017.7), dbSNP rs377534825, ClinGen allele CA5790949.

ClinVar aggregate classification (germline): Uncertain significance. Review status: criteria provided, multiple submitters, no conflicts (2 of 4 stars). 4 submissions from 4 submitters: Uncertain significance (4). Last evaluated 2024-08-12.

Conditions:
PNPLA2-related disorder. Also called: PNPLA2-related condition.
Neutral lipid storage myopathy (NLSDM). Also called: NEUTRAL LIPID STORAGE DISEASE WITHOUT ICHTHYOSIS. Identifiers: Orphanet 98908, MedGen C1853136, MONDO:0012545, OMIM 610717.

Allele frequency attached by ClinVar (database versions not stated): gnomAD exomes 0.00006; ExAC 0.00007; ESP Exome Variant Server 0.00008; TOPMed 0.00008; gnomAD 0.00010.

Submissions (4):

Blueprint Genetics
Classification: Uncertain significance. Last evaluated: 2024-08-12. Review status: criteria provided, single submitter. Criteria: ACMG Guidelines, 2015. Collection method: clinical testing. Allele origin: germline.

Labcorp Genetics (formerly Invitae), Labcorp
Classification: Uncertain significance for Neutral lipid storage myopathy. Last evaluated: 2023-12-18. Review status: criteria provided, single submitter. Criteria: Invitae Variant Classification Sherloc (09022015). Collection method: clinical testing. Allele origin: germline.
Comment: This sequence change replaces glycine, which is neutral and non-polar, with serine, which is neutral and polar, at codon 124 of the PNPLA2 protein (p.Gly124Ser). This variant is present in population databases (rs377534825, gnomAD 0.01%). This missense change has been observed in individual(s) with hypoalphalipoproteinemia (PMID: 35460704). ClinVar contains an entry for this variant (Variation ID: 2072017). Advanced modeling of protein sequence and biophysical properties (such as structural, functional, and spatial information, amino acid conservation, physicochemical variation, residue mobility, and thermodynamic stability) performed at Invitae indicates that this missense variant is expected to disrupt PNPLA2 protein function with a positive predictive value of 80%. In summary, the available evidence is currently insufficient to determine the role of this variant in disease. Therefore, it has been classified as a Variant of Uncertain Significance.

PreventionGenetics, part of Exact Sciences
Classification: Uncertain significance for PNPLA2-related condition. Last evaluated: 2022-11-22. Review status: criteria provided, single submitter. Criteria: ACMG Guidelines, 2015. Collection method: clinical testing. Allele origin: germline.
Comment: The PNPLA2 c.370G>A variant is predicted to result in the amino acid substitution p.Gly124Ser. To our knowledge, this variant has not been reported in the literature. This variant is reported in 0.014% of alleles in individuals of European (Non-Finnish) descent in gnomAD. At this time, the clinical significance of this variant is uncertain due to the absence of conclusive functional and genetic evidence.

Revvity Omics, Revvity
Classification: Uncertain significance for Neutral lipid storage myopathy. Last evaluated: 2020-10-05. Review status: criteria provided, single submitter. Criteria: ACMG Guidelines, 2015. Collection method: clinical testing. Allele origin: germline.

Literature cited by the submitters: PubMed 35460704 (cited by Labcorp Genetics (formerly Invitae), Labcorp).